The following is an entry in ClinVar:

ClinVar aggregate classification (germline): Uncertain significance. Review status: criteria provided, multiple submitters, no conflicts (2 of 4 stars). 2 submissions from 2 submitters: Uncertain significance (2). Last evaluated 2023-07-27.

Allele frequency attached by ClinVar (database versions not stated): gnomAD 0.00001; gnomAD exomes 0.00001; TOPMed below 0.00001; ExAC 0.00001.
gnomAD v4.1: 5 of 1,614,026 alleles (0.00031%); highest among the groups gnomAD compares: Non-Finnish European, 0.00042%; no homozygotes.

Submissions (2):

Labcorp Genetics (formerly Invitae), Labcorp
Classification: Uncertain significance for Combined immunodeficiency due to DOCK8 deficiency. Last evaluated: 2023-07-27. Review status: criteria provided, single submitter. Criteria: Invitae Variant Classification Sherloc (09022015). Collection method: clinical testing. Allele origin: germline.
Comment: In summary, the available evidence is currently insufficient to determine the role of this variant in disease. Therefore, it has been classified as a Variant of Uncertain Significance. Advanced modeling of protein sequence and biophysical properties (such as structural, functional, and spatial information, amino acid conservation, physicochemical variation, residue mobility, and thermodynamic stability) performed at Invitae indicates that this missense variant is expected to disrupt DOCK8 protein function. This variant has not been reported in the literature in individuals affected with DOCK8-related conditions. This variant is present in population databases (rs770914651, gnomAD 0.002%). This sequence change replaces glutamic acid, which is acidic and polar, with glutamine, which is neutral and polar, at codon 1502 of the DOCK8 protein (p.Glu1502Gln).

CeGaT Center for Human Genetics Tuebingen
Classification: Uncertain significance. Last evaluated: 2023-05-01. Review status: criteria provided, single submitter. Criteria: CeGaT Center For Human Genetics Tuebingen Variant Classification Criteria Version 2. Collection method: clinical testing. Allele origin: germline. Affected: yes. Observed: 1 variant allele.
Comment: DOCK8: PM2, BP4

NM_203447.4(DOCK8):c.4504G>C (p.Glu1502Gln)

Gene: DOCK8 (dedicator of cytokinesis 8; plus strand). Cytogenetic location: 9p24.3.
Variant type: single nucleotide variant.
Coding change: c.4504G>C on transcript NM_203447.4 (MANE Select); coding-DNA position 4504, G replaced by C.
Protein change: p.Glu1502Gln; replaces glutamic acid 1502 with glutamine.
Molecular consequence: missense variant.
Genome position (GRCh38, 1-based): chr9:429,732, G>C. VCF-style: chr9-429732-G-C. GRCh37 (hg19) VCF-style: chr9-429732-G-C.
Other names: c.4204G>C, p.Glu1402Gln (NM_001190458.2); c.4300G>C, p.Glu1434Gln (NM_001193536.2); short protein forms E1402Q, E1434Q, E1502Q.
Identifiers: ClinVar variation 2659018 (VCV002659018.26), dbSNP rs770914651, ClinGen allele CA4959113.